The following is an entry in ClinVar:

NM_002180.3(IGHMBP2):c.1235+978C>T

Gene: IGHMBP2 (immunoglobulin mu DNA binding protein 2; plus strand). Cytogenetic location: 11q13.3.
Variant type: single nucleotide variant.
Coding change: c.1235+978C>T on transcript NM_002180.3 (MANE Select); 978 bases into the intron after coding-DNA position 1235, C replaced by T.
Molecular consequence: intron variant.
Genome position (GRCh38, 1-based): chr11:68,930,335, C>T. VCF-style: chr11-68930335-C-T. GRCh37 (hg19) VCF-style: chr11-68697803-C-T.
Identifiers: ClinVar variation 4985349 (VCV004985349.1).

ClinVar aggregate classification (germline): Likely benign (1 of 4 stars; one submission).

Conditions:
IGHMBP2-related disorder. Also called: IGHMBP2-related condition; IGHMBP2-related disorders.

gnomAD v4.1: 86 of 1,289,758 alleles (0.0067%); highest among the groups gnomAD compares: African/African-American, 0.044%; no homozygotes.

Submission:

PreventionGenetics, part of Exact Sciences
Classification: Likely benign for IGHMBP2-related condition. Last evaluated: 2026-06-24. Review status: criteria provided, single submitter. Criteria: ACMG Guidelines, 2015. Collection method: clinical testing. Allele origin: germline.
Comment: This variant is classified as likely benign based on ACMG/AMP sequence variant interpretation guidelines (Richards et al. 2015 PMID: 25741868, with internal and published modifications).